The following is an entry in ClinVar:

NM_000426.4(LAMA2):c.3746A>T (p.Tyr1249Phe)

Gene: LAMA2 (laminin subunit alpha 2; plus strand). Cytogenetic location: 6q22.33.
Variant type: single nucleotide variant.
Coding change: c.3746A>T on transcript NM_000426.4 (MANE Select); coding-DNA position 3746, A replaced by T.
Protein change: p.Tyr1249Phe; replaces tyrosine 1249 with phenylalanine.
Molecular consequence: missense variant.
Genome position (GRCh38, 1-based): chr6:129,315,772, A>T. VCF-style: chr6-129315772-A-T. GRCh37 (hg19) VCF-style: chr6-129636917-A-T.
Other names: c.3746A>T, p.Tyr1249Phe (NM_001079823.2); short protein forms Y1249F.
Identifiers: ClinVar variation 1477637 (VCV001477637.8), dbSNP rs1053422619, ClinGen allele CA146914217.

ClinVar aggregate classification (germline): Uncertain significance (1 of 4 stars; one submission).

Conditions:
LAMA2-related muscular dystrophy (LAMA2-RD). Also called: Laminin alpha 2-related dystrophy. Identifiers: MedGen C5679788, MONDO:0100228.

Submission:

Labcorp Genetics (formerly Invitae), Labcorp
Classification: Uncertain significance for LAMA2-related muscular dystrophy. Last evaluated: 2021-05-12. Review status: criteria provided, single submitter. Criteria: Invitae Variant Classification Sherloc (09022015). Collection method: clinical testing. Allele origin: germline.
Comment: This sequence change replaces tyrosine with phenylalanine at codon 1249 of the LAMA2 protein (p.Tyr1249Phe). The tyrosine residue is highly conserved and there is a small physicochemical difference between tyrosine and phenylalanine. This variant is not present in population databases (ExAC no frequency). This variant has not been reported in the literature in individuals with LAMA2-related conditions. Advanced modeling of protein sequence and biophysical properties (such as structural, functional, and spatial information, amino acid conservation, physicochemical variation, residue mobility, and thermodynamic stability) performed at Invitae indicates that this missense variant is not expected to disrupt LAMA2 protein function. In summary, the available evidence is currently insufficient to determine the role of this variant in disease. Therefore, it has been classified as a Variant of Uncertain Significance.